The following is an entry in ClinVar:

NM_015450.3(POT1):c.1487G>T (p.Gly496Val)

Gene: POT1 (protection of telomeres 1; minus strand). Cytogenetic location: 7q31.33.
Variant type: single nucleotide variant.
Coding change: c.1487G>T on transcript NM_015450.3 (MANE Select); coding-DNA position 1487, G replaced by T.
Protein change: p.Gly496Val; replaces glycine 496 with valine.
Molecular consequence: missense variant. On other transcripts: non-coding transcript variant (3).
Genome position (GRCh38, 1-based): chr7:124,835,297, C>A on the plus strand (G>T on the coding strand, the complement: POT1 is on the minus strand). VCF-style: chr7-124835297-C-A. GRCh37 (hg19) VCF-style: chr7-124475351-C-A.
Other names: c.1094G>T, p.Gly365Val (NM_001042594.2); short protein forms G365V, G496V.
Identifiers: ClinVar variation 4673482 (VCV004673482.1).

ClinVar aggregate classification (germline): Uncertain significance (1 of 4 stars; one submission).

Conditions:
Hereditary cancer-predisposing syndrome. Also called: Neoplastic Syndromes, Hereditary; Tumor predisposition; Hereditary Cancer Syndrome; Hereditary neoplastic syndrome. Identifiers: Orphanet 140162, MedGen C0027672, MeSH D009386, MONDO:0015356.

Submission:

Ambry Genetics
Classification: Uncertain significance for Hereditary cancer-predisposing syndrome. Last evaluated: 2025-09-28. Review status: criteria provided, single submitter. Criteria: Ambry Variant Classification Scheme 2023. Collection method: clinical testing. Allele origin: germline.
Comment: The p.G496V variant (also known as c.1487G>T), located in coding exon 11 of the POT1 gene, results from a G to T substitution at nucleotide position 1487. The glycine at codon 496 is replaced by valine, an amino acid with dissimilar properties. This amino acid position is conserved. In addition, this alteration is predicted to be tolerated by in silico analysis. Based on the available evidence, the clinical significance of this variant remains unclear.